The following is an entry in ClinVar:

ClinVar aggregate classification (germline): Benign/Likely benign. Review status: criteria provided, multiple submitters, no conflicts (2 of 4 stars). 5 submissions from 5 submitters: Benign (1); Likely benign (4). Last evaluated 2025-08-06.

Conditions:
Peutz-Jeghers syndrome (PJS). Also called: POLYPOSIS, HAMARTOMATOUS INTESTINAL; POLYPS-AND-SPOTS SYNDROME; Peutz-Jeghers polyposis; Periorificial lentiginosis syndrome. Identifiers: Orphanet 2869, MedGen C0031269, MeSH D010580, MONDO:0008280, OMIM 175200.
Hereditary cancer-predisposing syndrome. Also called: Tumor predisposition; Hereditary neoplastic syndrome; Neoplastic Syndromes, Hereditary; Hereditary Cancer Syndrome. Identifiers: Orphanet 140162, MedGen C0027672, MeSH D009386, MONDO:0015356.

gnomAD v4.1: 2 of 1,613,218 alleles (0.00012%); highest among the groups gnomAD compares: Non-Finnish European, 0.00017%; no homozygotes.

Submissions (5):

Labcorp Genetics (formerly Invitae), Labcorp
Classification: Likely benign for Peutz-Jeghers syndrome. Last evaluated: 2025-08-06. Review status: criteria provided, single submitter. Criteria: Invitae Variant Classification Sherloc (09022015). Collection method: clinical testing. Allele origin: germline.

Myriad Genetics, Inc.
Classification: Benign for Peutz-Jeghers syndrome. Last evaluated: 2025-03-25. Review status: criteria provided, single submitter. Criteria: Myriad Autosomal Dominant, Autosomal Recessive and X-Linked Classification Criteria (2023). Collection method: clinical testing. Allele origin: unknown.
Comment: This variant is considered benign. This variant is a silent/synonymous amino acid change and it is not expected to impact splicing.

All of Us Research Program, National Institutes of Health
Classification: Likely benign for Peutz-Jeghers syndrome. Last evaluated: 2023-04-27. Review status: criteria provided, single submitter. Criteria: ACMG Guidelines, 2015. Collection method: clinical testing. Allele origin: germline. Inheritance: Autosomal dominant inheritance. Observed: 1 variant allele, 1 heterozygote.
Comment: This study involves interpretation of variants in research participants for the purpose of population health screening. Participant phenotype was not available at the time of variant classification. Additional details can be found in publication PMID: 35346344, PMCID: PMC8962531

Ambry Genetics
Classification: Likely benign for Hereditary cancer-predisposing syndrome. Last evaluated: 2021-10-25. Review status: criteria provided, single submitter. Criteria: Ambry Variant Classification Scheme 2023. Collection method: clinical testing. Allele origin: germline.

Color Diagnostics, LLC DBA Color Health
Classification: Likely benign for Hereditary cancer-predisposing syndrome. Last evaluated: 2019-01-14. Review status: criteria provided, single submitter. Criteria: ACMG Guidelines, 2015. Collection method: clinical testing. Allele origin: germline.

NM_000455.5(STK11):c.228C>T (p.Ala76=)

Gene: STK11 (serine/threonine kinase 11; plus strand). Cytogenetic location: 19p13.3.
Variant type: single nucleotide variant.
Coding change: c.228C>T on transcript NM_000455.5 (MANE Select); coding-DNA position 228, C replaced by T.
Protein change: p.Ala76=; no amino-acid change (alanine 76 retained).
Molecular consequence: synonymous variant.
Genome position (GRCh38, 1-based): chr19:1,207,141, C>T. VCF-style: chr19-1207141-C-T. GRCh37 (hg19) VCF-style: chr19-1207140-C-T.
Identifiers: ClinVar variation 925918 (VCV000925918.14), dbSNP rs763166927, ClinGen allele CA504706315.